The following is an entry in ClinVar:

NM_006642.5(SDCCAG8):c.1745-2A>G

Gene: SDCCAG8 (SHH signaling and ciliogenesis regulator SDCCAG8; plus strand). Cytogenetic location: 1q43.
Variant type: single nucleotide variant.
Coding change: c.1745-2A>G on transcript NM_006642.5 (MANE Select); the canonical splice acceptor site of the intron before coding-DNA position 1745, A replaced by G.
Molecular consequence: splice acceptor variant.
Genome position (GRCh38, 1-based): chr1:243,417,966, A>G. VCF-style: chr1-243417966-A-G. GRCh37 (hg19) VCF-style: chr1-243581268-A-G.
Other names: c.1451-2A>G (NM_001350249.2); c.842-2A>G (NM_001350251.2, NM_001350246.2, NM_001350247.2); c.1841-2A>G (NM_001350248.2).
Identifiers: ClinVar variation 1349572 (VCV001349572.6), dbSNP rs1442457872, ClinGen allele CA345667369.

ClinVar aggregate classification (germline): Likely pathogenic (1 of 4 stars; one submission).

Conditions:
Senior-Loken syndrome 7 (SLSN7). Identifiers: Orphanet 3156, MedGen C3150877, MONDO:0013326, OMIM 613615.
Bardet-Biedl syndrome 16 (BBS16). Identifiers: Orphanet 110, MedGen C3889474, MONDO:0014444, OMIM 615993.

Allele frequency attached by ClinVar (database versions not stated): gnomAD 0.00002.

Submission:

Labcorp Genetics (formerly Invitae), Labcorp
Classification: Likely pathogenic for Bardet-Biedl syndrome 16; Senior-Loken syndrome 7. Last evaluated: 2022-03-17. Review status: criteria provided, single submitter. Criteria: Invitae Variant Classification Sherloc (09022015). Collection method: clinical testing. Allele origin: germline.
Comment: In summary, the currently available evidence indicates that the variant is pathogenic, but additional data are needed to prove that conclusively. Therefore, this variant has been classified as Likely Pathogenic. Algorithms developed to predict the effect of sequence changes on RNA splicing suggest that this variant may disrupt the consensus splice site. This variant has not been reported in the literature in individuals affected with SDCCAG8-related conditions. This variant is present in population databases (no rsID available, gnomAD 0.01%). This sequence change affects an acceptor splice site in intron 14 of the SDCCAG8 gene. It is expected to disrupt RNA splicing. Variants that disrupt the donor or acceptor splice site typically lead to a loss of protein function (PMID: 16199547), and loss-of-function variants in SDCCAG8 are known to be pathogenic (PMID: 20835237, 22190896).

Literature cited by the submitters: PubMed 16199547; PubMed 20835237; PubMed 22190896.